The following is an entry in ClinVar:

NM_000275.3(OCA2):c.2059G>A (p.Ala687Thr)

Gene: OCA2 (OCA2 melanosomal transmembrane protein; minus strand). Cytogenetic location: 15q13.1.
Variant type: single nucleotide variant.
Coding change: c.2059G>A on transcript NM_000275.3 (MANE Select); coding-DNA position 2059, G replaced by A.
Protein change: p.Ala687Thr; replaces alanine 687 with threonine.
Molecular consequence: missense variant.
Genome position (GRCh38, 1-based): chr15:27,926,147, C>T on the plus strand (G>A on the coding strand, the complement: OCA2 is on the minus strand). VCF-style: chr15-27926147-C-T. GRCh37 (hg19) VCF-style: chr15-28171293-C-T.
Other names: c.1987G>A, p.Ala663Thr (NM_001300984.2); short protein forms A663T, A687T.
Identifiers: ClinVar variation 1935789 (VCV001935789.2), dbSNP rs1344265643, ClinGen allele CA391360952.

ClinVar aggregate classification (germline): Uncertain significance (1 of 4 stars; one submission).

Allele frequency attached by ClinVar (database versions not stated): TOPMed below 0.00001; gnomAD 0.00001; gnomAD exomes 0.00001.
gnomAD v4.1: 11 of 1,613,948 alleles (0.00068%); highest among the groups gnomAD compares: African/African-American, 0.004%; no homozygotes.

Submission:

Labcorp Genetics (formerly Invitae), Labcorp
Classification: Uncertain significance. Last evaluated: 2022-07-11. Review status: criteria provided, single submitter. Criteria: Invitae Variant Classification Sherloc (09022015). Collection method: clinical testing. Allele origin: germline.
Comment: This sequence change replaces alanine, which is neutral and non-polar, with threonine, which is neutral and polar, at codon 687 of the OCA2 protein (p.Ala687Thr). This variant is present in population databases (no rsID available, gnomAD 0.0009%). This variant has not been reported in the literature in individuals affected with OCA2-related conditions. Advanced modeling of protein sequence and biophysical properties (such as structural, functional, and spatial information, amino acid conservation, physicochemical variation, residue mobility, and thermodynamic stability) performed at Invitae indicates that this missense variant is expected to disrupt OCA2 protein function. In summary, the available evidence is currently insufficient to determine the role of this variant in disease. Therefore, it has been classified as a Variant of Uncertain Significance.